The following is an entry in ClinVar:

ClinVar aggregate classification (germline): Uncertain significance. Review status: criteria provided, multiple submitters, no conflicts (2 of 4 stars). 2 submissions from 2 submitters: Uncertain significance (2). Last evaluated 2023-08-25.

Conditions:
Hypertrophic cardiomyopathy. Also called: HYPERTROPHIC MYOCARDIOPATHY. Identifiers: Orphanet 217569, MedGen C0007194, MeSH D002312, MONDO:0005045, HP:0001639.
Hypertrophic cardiomyopathy 4. Also called: Familial hypertrophic cardiomyopathy 4. Identifiers: MedGen C1861862, MONDO:0007268, OMIM 115197.

gnomAD v4.1: 7 of 1,512,336 alleles (0.00046%); highest among the groups gnomAD compares: Non-Finnish European, 0.00064%; no homozygotes.

Submissions (2):

3billion
Classification: Uncertain significance for Hypertrophic cardiomyopathy 4. Last evaluated: 2023-08-25. Review status: criteria provided, single submitter. Criteria: ACMG Guidelines, 2015. Collection method: clinical testing. Allele origin: germline. Affected: yes.
Comment: The variant is not observed in the gnomAD v2.1.1 dataset. Predicted Consequence/Location: Intron variant In silico tools predict the variant to alter splicing and produce an abnormal transcript [SpliceAI: 0.85 (>=0.2, moderate evidence for spliceogenicity)]. Therefore, this variant is classified as VUS according to the recommendation of ACMG/AMP guideline.

Labcorp Genetics (formerly Invitae), Labcorp
Classification: Uncertain significance for Hypertrophic cardiomyopathy. Last evaluated: 2022-11-01. Review status: criteria provided, single submitter. Criteria: Invitae Variant Classification Sherloc (09022015). Collection method: clinical testing. Allele origin: germline.
Comment: In summary, the available evidence is currently insufficient to determine the role of this variant in disease. Therefore, it has been classified as a Variant of Uncertain Significance. Algorithms developed to predict the effect of sequence changes on RNA splicing suggest that this variant may disrupt the consensus splice site. ClinVar contains an entry for this variant (Variation ID: 1022364). This variant has not been reported in the literature in individuals affected with MYBPC3-related conditions. This variant is not present in population databases (gnomAD no frequency). This sequence change falls in intron 10 of the MYBPC3 gene. It does not directly change the encoded amino acid sequence of the MYBPC3 protein.

NM_000256.3(MYBPC3):c.909-7G>A

Gene: MYBPC3 (myosin binding protein C3; minus strand). Cytogenetic location: 11p11.2.
Variant type: single nucleotide variant.
Coding change: c.909-7G>A on transcript NM_000256.3 (MANE Select); 7 bases into the intron before coding-DNA position 909, G replaced by A.
Molecular consequence: intron variant.
Genome position (GRCh38, 1-based): chr11:47,346,651, C>T on the plus strand (G>A on the coding strand, the complement: MYBPC3 is on the minus strand). VCF-style: chr11-47346651-C-T. GRCh37 (hg19) VCF-style: chr11-47368202-C-T.
Identifiers: ClinVar variation 1022364 (VCV001022364.9), dbSNP rs1373705247, ClinGen allele CA677003999.